The following is an entry in ClinVar:

NM_199420.4(POLQ):c.6379T>A (p.Phe2127Ile)

Gene: POLQ (DNA polymerase theta; minus strand). Cytogenetic location: 3q13.33.
Variant type: single nucleotide variant.
Coding change: c.6379T>A on transcript NM_199420.4 (MANE Select); coding-DNA position 6379, T replaced by A.
Protein change: p.Phe2127Ile; replaces phenylalanine 2127 with isoleucine.
Molecular consequence: missense variant.
Genome position (GRCh38, 1-based): chr3:121,476,566, A>T on the plus strand (T>A on the coding strand, the complement: POLQ is on the minus strand). VCF-style: chr3-121476566-A-T. GRCh37 (hg19) VCF-style: chr3-121195413-A-T.
Other names: short protein forms F2127I.
Identifiers: ClinVar variation 1753148 (VCV001753148.2), dbSNP rs2546777090, ClinGen allele CA354086825.

ClinVar aggregate classification (germline): Uncertain significance (1 of 4 stars; one submission).

Submission:

Ambry Genetics
Classification: Uncertain significance. Last evaluated: 2022-09-11. Review status: criteria provided, single submitter. Criteria: Ambry Variant Classification Scheme 2023. Collection method: clinical testing. Allele origin: germline.
Comment: The p.F2127I variant (also known as c.6379T>A), located in coding exon 20 of the POLQ gene, results from a T to A substitution at nucleotide position 6379. The phenylalanine at codon 2127 is replaced by isoleucine, an amino acid with highly similar properties. This amino acid position is conserved. In addition, this alteration is predicted to be tolerated by in silico analysis. Since supporting evidence is limited at this time, the clinical significance of this alteration remains unclear.